The following is an entry in ClinVar:

NM_000051.4(ATM):c.4957_4958del (p.Gln1653fs)

Gene: ATM (ATM serine/threonine kinase; plus strand). Cytogenetic location: 11q22.3.
Variant type: Deletion.
Coding change: c.4957_4958del on transcript NM_000051.4 (MANE Select); coding-DNA positions 4957 to 4958, 2 bases deleted (CA; older notation c.4957_4958delCA).
Protein change: p.Gln1653fs; shifts the reading frame from glutamine 1653.
Molecular consequence: frameshift variant.
Genome position (GRCh38, 1-based): chr11:108,297,334-108,297,335, CA deleted. VCF-style (leftmost placement, unchanged base first): chr11-108297333-GCA-G. GRCh37 (hg19) VCF-style: chr11-108168060-GCA-G.
Other names: c.4957_4958del, p.Gln1653fs (NM_001351834.2); short protein forms Q1653fs.
Identifiers: ClinVar variation 1453133 (VCV001453133.6), dbSNP rs2135862582, ClinGen allele CA2573146772.

ClinVar aggregate classification (germline): Pathogenic (1 of 4 stars; one submission).

Conditions:
Ataxia-telangiectasia syndrome (AT). Also called: Ataxia-telangiectasia, complementation group E; LOUIS-BAR SYNDROME; Ataxia-telangiectasia, complementation group D; AT, COMPLEMENTATION GROUP C; Ataxia-telangiectasia; Cerebello-oculocutaneous telangiectasia. Identifiers: Orphanet 100, MedGen C0004135, MONDO:0008840, OMIM 208900.

Submission:

Labcorp Genetics (formerly Invitae), Labcorp
Classification: Pathogenic for Ataxia-telangiectasia syndrome. Last evaluated: 2021-06-09. Review status: criteria provided, single submitter. Criteria: Invitae Variant Classification Sherloc (09022015). Collection method: clinical testing. Allele origin: germline.
Comment: This variant has not been reported in the literature in individuals with ATM-related conditions. This variant is not present in population databases (ExAC no frequency). This sequence change creates a premature translational stop signal (p.Gln1653Valfs*11) in the ATM gene. It is expected to result in an absent or disrupted protein product. Loss-of-function variants in ATM are known to be pathogenic (PMID: 23807571, 25614872). For these reasons, this variant has been classified as Pathogenic.

Literature cited by the submitters: PubMed 23807571; PubMed 25614872.